The following is an entry in ClinVar:

NM_002734.5(PRKAR1A):c.298A>G (p.Ile100Val)

Gene: PRKAR1A (protein kinase cAMP-dependent type I regulatory subunit alpha; plus strand). Cytogenetic location: 17q24.2.
Variant type: single nucleotide variant.
Coding change: c.298A>G on transcript NM_002734.5 (MANE Select); coding-DNA position 298, A replaced by G.
Protein change: p.Ile100Val; replaces isoleucine 100 with valine.
Molecular consequence: missense variant.
Genome position (GRCh38, 1-based): chr17:68,522,876, A>G. VCF-style: chr17-68522876-A-G. GRCh37 (hg19) VCF-style: chr17-66519017-A-G.
Other names: c.298A>G (NM_002734.3); c.298A>G, p.Ile100Val (NM_001276289.2, NM_001276290.1, NM_001278433.2 and 4 more transcripts); short protein forms I100V.
Identifiers: ClinVar variation 1472564 (VCV001472564.9), dbSNP rs2143274419, ClinGen allele CA400752411.
Genomic context (GRCh38, chr17:68,522,876, plus strand): 5'-GATGAGATTTCTCCTCCTCCACCCAACCCAGTGGTTAAAGGTAGGAGGCGACGAGGTGCT[A>G]TCAGCGCTGAGGTCTACACGGAGGAAGATGCGGCATCCTATGTTAGAAAGGTAGTTTTGA-3'
Protein context (NP_002725.1, residues 90-110): VVKGRRRRGA[Ile100Val]SAEVYTEEDA

ClinVar aggregate classification (germline): Uncertain significance. Review status: criteria provided, multiple submitters, no conflicts (2 of 4 stars). 2 submissions from 2 submitters: Uncertain significance (2). Last evaluated 2025-06-24.

Conditions:
Hereditary cancer-predisposing syndrome. Also called: Neoplastic Syndromes, Hereditary; Hereditary Cancer Syndrome; Tumor predisposition; Hereditary neoplastic syndrome. Identifiers: Orphanet 140162, MedGen C0027672, MeSH D009386, MONDO:0015356.
Carney complex, type 1 (CNC1). Also called: CARNEY COMPLEX, TYPE I; CARNEY MYXOMA-ENDOCRINE COMPLEX. Identifiers: Orphanet 1359, MedGen C2607929, MONDO:0008057, OMIM 160980.

Allele frequency attached by ClinVar (database versions not stated): gnomAD exomes below 0.00001.
gnomAD v4.1: 1 of 1,613,534 alleles (0.000062%); highest among the groups gnomAD compares: Non-Finnish European, 0.000085%; no homozygotes.

Submissions (2):

Ambry Genetics
Classification: Uncertain significance for Hereditary cancer-predisposing syndrome. Last evaluated: 2025-06-24. Review status: criteria provided, single submitter. Criteria: Ambry Variant Classification Scheme 2023. Collection method: clinical testing. Allele origin: germline.
Comment: The p.I100V variant (also known as c.298A>G), located in coding exon 2 of the PRKAR1A gene, results from an A to G substitution at nucleotide position 298. The isoleucine at codon 100 is replaced by valine, an amino acid with highly similar properties. This amino acid position is conserved. In addition, the in silico prediction for this alteration is inconclusive. Since supporting evidence is limited at this time, the clinical significance of this alteration remains unclear.

Labcorp Genetics (formerly Invitae), Labcorp
Classification: Uncertain significance for Carney complex, type 1. Last evaluated: 2024-11-05. Review status: criteria provided, single submitter. Criteria: Invitae Variant Classification Sherloc (09022015). Collection method: clinical testing. Allele origin: germline.
Comment: This sequence change replaces isoleucine, which is neutral and non-polar, with valine, which is neutral and non-polar, at codon 100 of the PRKAR1A protein (p.Ile100Val). This variant is not present in population databases (gnomAD no frequency). This variant has not been reported in the literature in individuals affected with PRKAR1A-related conditions. ClinVar contains an entry for this variant (Variation ID: 1472564). Invitae Evidence Modeling of protein sequence and biophysical properties (such as structural, functional, and spatial information, amino acid conservation, physicochemical variation, residue mobility, and thermodynamic stability) indicates that this missense variant is not expected to disrupt PRKAR1A protein function with a negative predictive value of 95%. In summary, the available evidence is currently insufficient to determine the role of this variant in disease. Therefore, it has been classified as a Variant of Uncertain Significance.